The following is an entry in ClinVar:

NM_024675.4(PALB2):c.3282G>C (p.Val1094=)

Gene: PALB2 (partner and localizer of BRCA2; minus strand). Cytogenetic location: 16p12.2.
Variant type: single nucleotide variant.
Coding change: c.3282G>C on transcript NM_024675.4 (MANE Select); coding-DNA position 3282, G replaced by C.
Protein change: p.Val1094=; no amino-acid change (valine 1094 retained).
Molecular consequence: synonymous variant. On other transcripts: intron variant (8).
Genome position (GRCh38, 1-based): chr16:23,607,932, C>G on the plus strand (G>C on the coding strand, the complement: PALB2 is on the minus strand). VCF-style: chr16-23607932-C-G. GRCh37 (hg19) VCF-style: chr16-23619253-C-G.
Other names: c.3222G>C, p.Val1074= (NM_001407296.1); c.3210G>C, p.Val1070= (NM_001407297.1); c.3120G>C, p.Val1040= (NM_001407298.1); c.3003G>C, p.Val1001= (NM_001407300.1); c.2397G>C, p.Val799= (NM_001407304.1, NM_001407305.1, NM_001407306.1); c.2235G>C, p.Val745= (NM_001407307.1); c.1494G>C, p.Val498= (NM_001407312.1); c.816G>C, p.Val272= (NM_001407314.1); and 6 more.
Identifiers: ClinVar variation 3904495 (VCV003904495.1).

ClinVar aggregate classification (germline): Benign (1 of 4 stars; one submission).

Conditions:
Familial cancer of breast. Also called: Hereditary breast cancer; hereditary breast carcinoma; BREAST CANCER, FAMILIAL. Identifiers: Orphanet 227535, MedGen C0346153, MONDO:0016419, OMIM 114480. Disease mechanism: loss of function.

Submission:

Myriad Genetics, Inc.
Classification: Benign for Familial cancer of breast. Last evaluated: 2025-01-22. Review status: criteria provided, single submitter. Criteria: Myriad Autosomal Dominant, Autosomal Recessive and X-Linked Classification Criteria (2023). Collection method: clinical testing. Allele origin: unknown.
Comment: This variant is considered benign. This variant is a silent/synonymous amino acid change and it is not expected to impact splicing.